The following is an entry in ClinVar:

ClinVar aggregate classification (germline): Benign (1 of 4 stars; one submission).

Conditions:
Heterotaxy, visceral, 4, autosomal (HTX4). Identifiers: Orphanet 450, MedGen C3151057, MONDO:0013403, OMIM 613751.

Allele frequency attached by ClinVar (database versions not stated): gnomAD 0.00472 and 0.00499; TOPMed 0.00558; 1000 Genomes Project 30x 0.00578; 1000 Genomes Project 0.00619.

Submission:

Illumina Laboratory Services, Illumina
Classification: Benign for Heterotaxy, visceral, 4, autosomal. Last evaluated: 2018-01-12. Review status: criteria provided, single submitter. Criteria: ICSL Variant Classification Criteria 13 December 2019. Collection method: clinical testing. Allele origin: germline.
Comment: This variant was observed in the ICSL laboratory as part of a predisposition screen in an ostensibly healthy population. It had not been previously curated by ICSL or reported in the Human Gene Mutation Database (HGMD: prior to June 1st, 2018), and was therefore a candidate for classification through an automated scoring system. Utilizing variant allele frequency, disease prevalence and penetrance estimates, and inheritance mode, an automated score was calculated to assess if this variant is too frequent to cause the disease. Based on the score and internal cut-off values, a variant classified as benign is not then subjected to further curation. The score for this variant resulted in a classification of benign for this disease.

NM_001106.4(ACVR2B):c.*6553G>A

Gene: ACVR2B (activin A receptor type 2B; plus strand). Cytogenetic location: 3p22.2.
Variant type: single nucleotide variant.
Coding change: c.*6553G>A on transcript NM_001106.4 (MANE Select); 6553 bases downstream of the stop codon, G replaced by A.
Molecular consequence: 3 prime UTR variant.
Genome position (GRCh38, 1-based): chr3:38,489,885, G>A. VCF-style: chr3-38489885-G-A. GRCh37 (hg19) VCF-style: chr3-38531376-G-A.
Identifiers: ClinVar variation 345013 (VCV000345013.5), dbSNP rs75944257, ClinGen allele CA10618633.
Genomic context (GRCh38, chr3:38,489,885, plus strand): 5'-ATCCAGGTTGGGGGGCAGAATTACCCAGTTAAGTAATTGTTCAGAAAAGTGGGGAGGGTG[G>A]CATGTGGATGCAGTGATCCAATTAAATGGAGAGCTGCCAGGCACATTTTGTCCTCTCTGG-3'